The following is an entry in ClinVar:

NM_018060.4(IARS2):c.750G>A (p.Arg250=)

Gene: IARS2 (isoleucyl-tRNA synthetase 2, mitochondrial; plus strand). Cytogenetic location: 1q41.
Variant type: single nucleotide variant.
Coding change: c.750G>A on transcript NM_018060.4 (MANE Select); coding-DNA position 750, G replaced by A.
Protein change: p.Arg250=; no amino-acid change (arginine 250 retained).
Molecular consequence: synonymous variant.
Genome position (GRCh38, 1-based): chr1:220,102,495, G>A. VCF-style: chr1-220102495-G-A. GRCh37 (hg19) VCF-style: chr1-220275837-G-A.
Identifiers: ClinVar variation 3233670 (VCV003233670.2), dbSNP rs2528502605, ClinGen allele CA423261033.

ClinVar aggregate classification (germline): Uncertain significance (1 of 4 stars; one submission).

Allele frequency attached by ClinVar (database versions not stated): gnomAD exomes below 0.00001.
gnomAD v4.1: 1 of 1,613,158 alleles (0.000062%); highest among the groups gnomAD compares: Non-Finnish European, 0.000085%; no homozygotes.

Submission:

Women's Health and Genetics/Laboratory Corporation of America, LabCorp
Classification: Uncertain significance. Last evaluated: 2024-03-04. Review status: criteria provided, single submitter. Criteria: LabCorp Variant Classification Summary - May 2015. Collection method: clinical testing. Allele origin: germline.
Comment: Variant summary: IARS2 c.750G>A (p.Arg250Arg) alters a conserved nucleotide located close to a canonical splice site and therefore could affect mRNA splicing, leading to a significantly altered protein sequence. Consensus agreement among computation tools predict no significant impact on normal splicing. However, these predictions have yet to be confirmed by functional studies. The variant was absent in 250208 control chromosomes. The available data on variant occurrences in the general population are insufficient to allow any conclusion about variant significance. To our knowledge, no occurrence of c.750G>A in individuals affected with Cataract-Growth Hormone Deficiency-Sensory Neuropathy-Sensorineural Hearing Loss-Skeletal Dysplasia Syndrome and no experimental evidence demonstrating its impact on protein function have been reported. No submitters have cited clinical-significance assessments for this variant to ClinVar. Based on the evidence outlined above, the variant was classified as uncertain significance.